The following is an entry in ClinVar:

NM_000038.6(APC):c.1801G>A (p.Glu601Lys)

Gene: APC (APC regulator of Wnt signaling pathway; plus strand). Cytogenetic location: 5q22.2.
Variant type: single nucleotide variant.
Coding change: c.1801G>A on transcript NM_000038.6 (MANE Select); coding-DNA position 1801, G replaced by A.
Protein change: p.Glu601Lys; replaces glutamic acid 601 with lysine.
Molecular consequence: missense variant. On other transcripts: non-coding transcript variant (2).
Genome position (GRCh38, 1-based): chr5:112,835,008, G>A. VCF-style: chr5-112835008-G-A. GRCh37 (hg19) VCF-style: chr5-112170705-G-A.
Other names: c.1771G>A, p.Glu591Lys (NM_001407452.1); c.1624G>A, p.Glu542Lys (NM_001407453.1, NM_001354901.2); c.1552G>A, p.Glu518Lys (NM_001407454.1, NM_001407455.1, NM_001407456.1 and 1 more transcripts); c.1498G>A, p.Glu500Lys (NM_001407458.1, NM_001407459.1, NM_001407460.1 and 1 more transcripts); c.1414G>A, p.Glu472Lys (NM_001407467.1, NM_001407469.1); c.1423G>A, p.Glu475Lys (NM_001354904.2); c.1321G>A, p.Glu441Lys (NM_001354905.2); c.952G>A, p.Glu318Lys (NM_001354906.2, NM_001407470.1); and 11 more; short protein forms E472K, E573K, E576K, E619K, E318K, E510K, E518K, E217K.
Identifiers: ClinVar variation 5025514 (VCV005025514.1).

ClinVar aggregate classification (germline): Uncertain significance (1 of 4 stars; one submission).

Conditions:
Hereditary cancer-predisposing syndrome. Also called: Neoplastic Syndromes, Hereditary; Tumor predisposition; Hereditary neoplastic syndrome; Hereditary Cancer Syndrome. Identifiers: Orphanet 140162, MedGen C0027672, MeSH D009386, MONDO:0015356.

Submission:

Ambry Genetics
Classification: Uncertain significance for Hereditary cancer-predisposing syndrome. Last evaluated: 2026-07-24. Review status: criteria provided, single submitter. Criteria: Ambry Variant Classification Scheme 2023. Collection method: clinical testing. Allele origin: germline.
Comment: The p.E601K variant (also known as c.1801G>A), located in coding exon 14 of the APC gene, results from a G to A substitution at nucleotide position 1801. The glutamic acid at codon 601 is replaced by lysine, an amino acid with similar properties. This amino acid position is conserved. In addition, in silico predictors for this gene do not accurately predict pathogenicity. Based on the available evidence, the clinical significance of this variant remains unclear.